The following is an entry in ClinVar:

ClinVar aggregate classification (germline): Pathogenic. Review status: criteria provided, multiple submitters, no conflicts (2 of 4 stars). 2 submissions from 2 submitters: Pathogenic (2). Last evaluated 2023-04-20.

Conditions:
Intellectual developmental disorder, X-linked, syndromic, Claes-Jensen type. Also called: INTELLECTUAL DEVELOPMENTAL DISORDER, X-LINKED, SYNDROMIC 16; MENTAL RETARDATION, X-LINKED, SYNDROMIC 16; Syndromic X-linked intellectual disability Claes-Jensen type. Identifiers: Orphanet 85279, MedGen C1845243, MONDO:0010355, OMIM 300534.
Spastic paraplegia. Identifiers: MedGen C0037772, HP:0001258.

Submissions (2):

Duke University Health System Sequencing Clinic, Duke University Health System
Classification: Pathogenic for Intellectual developmental disorder, X-linked, syndromic, Claes-Jensen type. Last evaluated: 2023-04-20. Review status: criteria provided, single submitter. Criteria: ACMG Guidelines, 2015. Collection method: research. Allele origin: de novo. Affected: yes.

Labcorp Genetics (formerly Invitae), Labcorp
Classification: Pathogenic for Spastic paraplegia. Last evaluated: 2022-10-24. Review status: criteria provided, single submitter. Criteria: Invitae Variant Classification Sherloc (09022015). Collection method: clinical testing. Allele origin: germline.
Comment: For these reasons, this variant has been classified as Pathogenic. ClinVar contains an entry for this variant (Variation ID: 1455486). This premature translational stop signal has been observed in individual(s) with KDM5C-related conditions (PMID: 25644381). This variant is not present in population databases (gnomAD no frequency). This sequence change creates a premature translational stop signal (p.Gln970*) in the KDM5C gene. It is expected to result in an absent or disrupted protein product. Loss-of-function variants in KDM5C are known to be pathogenic (PMID: 15586325, 18697827).

Literature cited by the submitters: PubMed 25644381 (cited by Labcorp Genetics (formerly Invitae), Labcorp); PubMed 15586325 (cited by Labcorp Genetics (formerly Invitae), Labcorp); PubMed 18697827 (cited by Labcorp Genetics (formerly Invitae), Labcorp).

NM_004187.5(KDM5C):c.2908C>T (p.Gln970Ter)

Gene: KDM5C (lysine demethylase 5C; minus strand). Cytogenetic location: Xp11.22.
Variant type: single nucleotide variant.
Coding change: c.2908C>T on transcript NM_004187.5 (MANE Select); coding-DNA position 2908, C replaced by T.
Protein change: p.Gln970Ter; replaces glutamine 970 with a stop codon.
Molecular consequence: nonsense. On other transcripts: non-coding transcript variant (3).
Genome position (GRCh38, 1-based): chrX:53,196,759, G>A on the plus strand (C>T on the coding strand, the complement: KDM5C is on the minus strand). VCF-style: chrX-53196759-G-A. GRCh37 (hg19) VCF-style: chrX-53225941-G-A.
Other names: c.2908C>T (NM_004187.3); c.2707C>T, p.Gln903Ter (NM_001146702.2); c.2905C>T, p.Gln969Ter (NM_001282622.3, NM_001353979.2, NM_001353982.2); c.2908C>T, p.Gln970Ter (NM_001353978.3, NM_001353981.2, NM_001353984.2); short protein forms Q970*, Q969*, Q903*.
Identifiers: ClinVar variation 1455486 (VCV001455486.9), dbSNP rs2146837810, ClinGen allele CA413112327.